The following is an entry in ClinVar:

ClinVar aggregate classification (germline): Uncertain significance. Review status: criteria provided, multiple submitters, no conflicts (2 of 4 stars). 2 submissions from 2 submitters: Uncertain significance (2). Last evaluated 2025-11-08.

Conditions:
Inborn genetic diseases. Identifiers: MedGen C0950123, MeSH D030342.

Allele frequency attached by ClinVar (database versions not stated): ExAC 0.00002; gnomAD exomes 0.00003 and 0.00002; gnomAD 0.00001; TOPMed 0.00002.
gnomAD v4.1: 28 of 1,613,300 alleles (0.0017%); highest among the groups gnomAD compares: Non-Finnish European, 0.0023%; no homozygotes.

Submissions (2):

Ambry Genetics
Classification: Uncertain significance for Inborn genetic diseases. Last evaluated: 2025-11-08. Review status: criteria provided, single submitter. Criteria: Ambry Variant Classification Scheme 2023. Collection method: clinical testing. Allele origin: germline.

Labcorp Genetics (formerly Invitae), Labcorp
Classification: Uncertain significance. Last evaluated: 2022-04-19. Review status: criteria provided, single submitter. Criteria: Invitae Variant Classification Sherloc (09022015). Collection method: clinical testing. Allele origin: germline.
Comment: This sequence change replaces histidine, which is basic and polar, with proline, which is neutral and non-polar, at codon 326 of the STN1 protein (p.His326Pro). This variant is present in population databases (rs757540440, gnomAD 0.006%). This variant has not been reported in the literature in individuals affected with STN1-related conditions. Algorithms developed to predict the effect of missense changes on protein structure and function are either unavailable or do not agree on the potential impact of this missense change (SIFT: "Deleterious"; PolyPhen-2: "Probably Damaging"; Align-GVGD: "Class C0"). In summary, the available evidence is currently insufficient to determine the role of this variant in disease. Therefore, it has been classified as a Variant of Uncertain Significance.

NM_024928.5(STN1):c.977A>C (p.His326Pro)

Gene: STN1 (STN1 subunit of CST complex; minus strand). Cytogenetic location: 10q24.33.
Variant type: single nucleotide variant.
Coding change: c.977A>C on transcript NM_024928.5 (MANE Select); coding-DNA position 977, A replaced by C.
Protein change: p.His326Pro; replaces histidine 326 with proline.
Molecular consequence: missense variant.
Genome position (GRCh38, 1-based): chr10:103,882,814, T>G on the plus strand (A>C on the coding strand, the complement: STN1 is on the minus strand). VCF-style: chr10-103882814-T-G. GRCh37 (hg19) VCF-style: chr10-105642572-T-G.
Other names: c.977A>C (NM_024928.4); short protein forms H326P.
Identifiers: ClinVar variation 1488703 (VCV001488703.7), dbSNP rs757540440, ClinGen allele CA5676434.